The following continues an entry in ClinVar:

NM_033100.4(CDHR1):c.2522_2528del (p.Ile841fs)

Gene: CDHR1. ClinVar aggregate classification (germline): Pathogenic/Likely pathogenic. Pathogenic (10); Likely pathogenic (4).

Submissions 14 to 19 of 19:

Eurofins Ntd Llc (ga)
Classification: Likely pathogenic. Last evaluated: 2014-11-20. Review status: criteria provided, single submitter. Criteria: EGL Classification Definitions. Collection method: clinical testing. Allele origin: germline. Observed: 3 variant alleles, 2 heterozygotes, 1 homozygote.

OMIM
Classification: Pathogenic for RETINITIS PIGMENTOSA 65. Last evaluated: 2023-03-30. Review status: no assertion criteria provided. Collection method: literature only. Allele origin: germline. Not counted in ClinVar's aggregate classification.

OMIM
Classification: Pathogenic for MACULAR DYSTROPHY, RETINAL, 5. Last evaluated: 2023-03-30. Review status: no assertion criteria provided. Collection method: literature only. Allele origin: germline. Not counted in ClinVar's aggregate classification.

Department of Clinical Genetics, Copenhagen University Hospital, Rigshospitalet
Classification: Pathogenic for Retinitis pigmentosa. Last evaluated: 2018-04-01. Review status: no assertion criteria provided. Collection method: research. Allele origin: unknown. Affected: yes. Study: VeluxRD. Not counted in ClinVar's aggregate classification.

NIHR Bioresource Rare Diseases, University of Cambridge
Classification: Likely pathogenic for Retinitis pigmentosa. Last evaluated: 2015-01-01. Review status: no assertion criteria provided. Collection method: research. Allele origin: unknown. Affected: yes. Observed: 4 variant alleles. Not counted in ClinVar's aggregate classification.

Centre for Mendelian Genomics, University Medical Centre Ljubljana
Classification: Uncertain significance for Cone-rod dystrophy. Last evaluated: 2017-01-01. Review status: flagged submission. Criteria: ACMG Guidelines, 2015. Collection method: clinical testing. Allele origin: unknown. Affected: yes. Not counted in ClinVar's aggregate classification.
ClinVar note: Reason: Outlier claim with insufficient supporting evidence

Literature cited by the submitters: PubMed 28765526 (cited by 3billion and Labcorp Genetics (formerly Invitae), Labcorp); PubMed 26766544 (cited by 3 submitters); PubMed 28041643 (cited by 3 submitters); PubMed 27623334 (cited by Institute of Human Genetics, Univ. Regensburg, Univ. Regensburg); PubMed 29555955 (cited by Institute of Human Genetics, Univ. Regensburg, Univ. Regensburg); PubMed 31387115 (cited by Institute of Human Genetics, Univ. Regensburg, Univ. Regensburg); PubMed 31130284 (cited by Institute of Human Genetics, Univ. Regensburg, Univ. Regensburg); PubMed 31964843 (cited by Institute of Human Genetics, Univ. Regensburg, Univ. Regensburg); PubMed 32581362 (cited by Institute of Human Genetics, Univ. Regensburg, Univ. Regensburg); PubMed 33576794 (cited by Institute of Human Genetics, Univ. Regensburg, Univ. Regensburg); PubMed 34229535 (cited by Institute of Human Genetics, Univ. Regensburg, Univ. Regensburg); PubMed 33749171 (cited by Institute of Human Genetics, Univ. Regensburg, Univ. Regensburg); PubMed 35260635 (cited by Institute of Human Genetics, Univ. Regensburg, Univ. Regensburg); PubMed 35656873 (cited by Institute of Human Genetics, Univ. Regensburg, Univ. Regensburg); PubMed 36460718 (cited by Institute of Human Genetics, Univ. Regensburg, Univ. Regensburg); PubMed 35836572 (cited by Institute of Human Genetics, Univ. Regensburg, Univ. Regensburg); PubMed 35627310 (cited by OMIM); PubMed 30718709 (cited by Department of Clinical Genetics, Copenhagen University Hospital, Rigshospitalet).